The following is an entry in ClinVar:

ClinVar aggregate classification (germline): Conflicting classifications of pathogenicity. Review status: criteria provided, conflicting classifications (1 of 4 stars). 8 submissions from 6 submitters: Likely pathogenic (1); Uncertain significance (7). Last evaluated 2025-05-01.

Conditions:
Retinitis pigmentosa 12 (RP12). Also called: RP WITH OR WITHOUT PPRPE; RP WITH OR WITHOUT PRESERVED PARAARTERIOLE RETINAL PIGMENT EPITHELIUM; RETINITIS PIGMENTOSA WITH OR WITHOUT PARAARTERIOLAR PRESERVATION OF RETINAL PIGMENT EPITHELIUM. Identifiers: Orphanet 791, MedGen C1838647, MONDO:0010818, OMIM 600105.
Leber congenital amaurosis 8 (LCA8). Identifiers: Orphanet 65, MedGen C3151202, MONDO:0013453, OMIM 613835.
Pigmented paravenous retinochoroidal atrophy. Identifiers: Orphanet 251295, MedGen C1868310, MONDO:0008246, OMIM 172870.

gnomAD v4.1: 3 of 1,614,034 alleles (0.00019%); no homozygotes.

Submissions (8):

CeGaT Center for Human Genetics Tuebingen
Classification: Likely pathogenic. Last evaluated: 2025-05-01. Review status: criteria provided, single submitter. Criteria: CeGaT Center For Human Genetics Tuebingen Variant Classification Criteria Version 2. Collection method: clinical testing. Allele origin: germline. Affected: yes. Observed: 1 variant allele.
Comment: CRB1: PM3:Strong, PM2

Women's Health and Genetics/Laboratory Corporation of America, LabCorp
Classification: Uncertain significance. Last evaluated: 2024-11-18. Review status: criteria provided, single submitter. Criteria: LabCorp Variant Classification Summary - May 2015. Collection method: clinical testing. Allele origin: germline.
Comment: Variant summary: CRB1 c.2423A>G (p.Tyr808Cys) results in a non-conservative amino acid change located in the Laminin G domain (IPR001791) of the encoded protein sequence. Three of five in-silico tools predict a benign effect of the variant on protein function. The variant was absent in 250820 control chromosomes. c.2423A>G has been reported in the literature in the compound heterozygous state in at least 2 individuals affected with retinitis pigmentosa (example, Mairot_2021, Wang_2021). These data indicate that the variant may be associated with disease. To our knowledge, no experimental evidence demonstrating an impact on protein function has been reported. The following publications have been ascertained in the context of this evaluation (PMID: 34884448, 33342761). ClinVar contains an entry for this variant (Variation ID: 970125). Based on the evidence outlined above, the variant was classified as VUS-possibly pathogenic.

Labcorp Genetics (formerly Invitae), Labcorp
Classification: Uncertain significance for Leber congenital amaurosis 8; Retinitis pigmentosa 12. Last evaluated: 2023-07-06. Review status: criteria provided, single submitter. Criteria: Invitae Variant Classification Sherloc (09022015). Collection method: clinical testing. Allele origin: germline.
Comment: This sequence change replaces tyrosine, which is neutral and polar, with cysteine, which is neutral and slightly polar, at codon 808 of the CRB1 protein (p.Tyr808Cys). This variant is not present in population databases (gnomAD no frequency). This missense change has been observed in individual(s) with CRB1-related conditions (PMID: 34884448). In at least one individual the data is consistent with being in trans (on the opposite chromosome) from a pathogenic variant. ClinVar contains an entry for this variant (Variation ID: 970125). Advanced modeling of protein sequence and biophysical properties (such as structural, functional, and spatial information, amino acid conservation, physicochemical variation, residue mobility, and thermodynamic stability) has been performed at Invitae for this missense variant, however the output from this modeling did not meet the statistical confidence thresholds required to predict the impact of this variant on CRB1 protein function. In summary, the available evidence is currently insufficient to determine the role of this variant in disease. Therefore, it has been classified as a Variant of Uncertain Significance.

Genome-Nilou Lab
Classification: Uncertain significance for Leber congenital amaurosis 8. Last evaluated: 2023-04-11. Review status: criteria provided, single submitter. Criteria: ACMG Guidelines, 2015. Collection method: clinical testing. Allele origin: germline. Affected: no.

Genome-Nilou Lab
Classification: Uncertain significance for Pigmented paravenous retinochoroidal atrophy. Last evaluated: 2023-04-11. Review status: criteria provided, single submitter. Criteria: ACMG Guidelines, 2015. Collection method: clinical testing. Allele origin: germline. Affected: no.

Genome-Nilou Lab
Classification: Uncertain significance for Retinitis pigmentosa 12. Last evaluated: 2023-04-11. Review status: criteria provided, single submitter. Criteria: ACMG Guidelines, 2015. Collection method: clinical testing. Allele origin: germline. Affected: no.

3billion
Classification: Uncertain significance for Retinitis pigmentosa 12. Last evaluated: 2022-01-03. Review status: criteria provided, single submitter. Criteria: ACMG Guidelines, 2015. Collection method: clinical testing. Allele origin: germline. Affected: yes. Observed: 1 heterozygote.
Comment: The variant is not observed in the gnomAD v2.1.1 dataset (PM2_M). In silico tool predictions suggest damaging effect of the variant on gene or gene product (3CNET: 0.931, PP3_P). Therefore, this variant is classified as uncertain significance according to the recommendation of ACMG/AMP guideline.

Blueprint Genetics
Classification: Uncertain significance. Last evaluated: 2021-05-20. Review status: criteria provided, single submitter. Criteria: ACMG Guidelines, 2015. Collection method: clinical testing. Allele origin: germline.

Literature cited by the submitters: PubMed 33342761 (cited by Women's Health and Genetics/Laboratory Corporation of America, LabCorp); PubMed 34884448 (cited by Women's Health and Genetics/Laboratory Corporation of America, LabCorp and Labcorp Genetics (formerly Invitae), Labcorp).

NM_201253.3(CRB1):c.2423A>G (p.Tyr808Cys)

Gene: CRB1 (crumbs cell polarity complex component 1; plus strand). Cytogenetic location: 1q31.3.
Variant type: single nucleotide variant.
Coding change: c.2423A>G on transcript NM_201253.3 (MANE Select); coding-DNA position 2423, A replaced by G.
Protein change: p.Tyr808Cys; replaces tyrosine 808 with cysteine.
Molecular consequence: missense variant. On other transcripts: non-coding transcript variant (2), intron variant (1).
Genome position (GRCh38, 1-based): chr1:197,427,748, A>G. VCF-style: chr1-197427748-A-G. GRCh37 (hg19) VCF-style: chr1-197396878-A-G.
Other names: c.2087A>G, p.Tyr696Cys (NM_001193640.2); c.2216A>G, p.Tyr739Cys (NM_001257965.2); c.2128+5792A>G (NM_001257966.2); short protein forms Y696C, Y808C, Y739C.
Identifiers: ClinVar variation 970125 (VCV000970125.21), dbSNP rs1009552469, ClinGen allele CA35900848.